The following is an entry in ClinVar:

ClinVar aggregate classification (germline): Pathogenic (1 of 4 stars; one submission).

Conditions:
Congenital anomalies of kidney and urinary tract syndrome with or without hearing loss, abnormal ears, or developmental delay. Also called: Congenital Anomalies of the Kidney and Urinary Tract syndrome with or without Hearing Loss, Abnormal Ears, or Developmental Delay. Identifiers: Orphanet 656130, MedGen C4539968, MONDO:0060549, OMIM 617641.

Submission:

Institute of Human Genetics, University of Leipzig Medical Center
Classification: Pathogenic for Congenital anomalies of kidney and urinary tract syndrome with or without hearing loss, abnormal ears, or developmental delay. Last evaluated: 2026-08-31. Review status: criteria provided, single submitter. Criteria: ACMG Guidelines, 2015. Collection method: clinical testing. Allele origin: unknown. Inheritance: Autosomal dominant inheritance. Affected: yes.
Comment: Criteria applied: PVS1,PM2

NM_002585.4(PBX1):c.873C>G (p.Tyr291Ter)

Gene: PBX1 (PBX homeobox 1; plus strand). Cytogenetic location: 1q23.3.
Variant type: single nucleotide variant.
Coding change: c.873C>G on transcript NM_002585.4 (MANE Select); coding-DNA position 873, C replaced by G.
Protein change: p.Tyr291Ter; replaces tyrosine 291 with a stop codon.
Molecular consequence: nonsense.
Genome position (GRCh38, 1-based): chr1:164,812,025, C>G. VCF-style: chr1-164812025-C-G. GRCh37 (hg19) VCF-style: chr1-164781262-C-G.
Other names: c.873C>G, p.Tyr291Ter (NM_001204961.2, NM_001204963.2, NM_001353131.2); c.624C>G, p.Tyr208Ter (NM_001353130.1); short protein forms Y208*, Y291*.
Identifiers: ClinVar variation 4890728 (VCV004890728.1).